The following is an entry in ClinVar:

NM_000283.4(PDE6B):c.100G>A (p.Ala34Thr)

Gene: PDE6B (phosphodiesterase 6B; plus strand). Cytogenetic location: 4p16.3.
Variant type: single nucleotide variant.
Coding change: c.100G>A on transcript NM_000283.4 (MANE Select); coding-DNA position 100, G replaced by A.
Protein change: p.Ala34Thr; replaces alanine 34 with threonine.
Molecular consequence: missense variant.
Genome position (GRCh38, 1-based): chr4:625,726, G>A. VCF-style: chr4-625726-G-A. GRCh37 (hg19) VCF-style: chr4-619515-G-A.
Other names: c.100G>A, p.Ala34Thr (NM_001145291.2); c.100G>A (NM_000283.3); short protein forms A34T.
Identifiers: ClinVar variation 1983550 (VCV001983550.6), dbSNP rs182545478, ClinGen allele CA2793840.

ClinVar aggregate classification (germline): Uncertain significance. Review status: criteria provided, multiple submitters, no conflicts (2 of 4 stars). 3 submissions from 3 submitters: Uncertain significance (3). Last evaluated 2025-09-02.

Conditions:
Inborn genetic diseases. Identifiers: MedGen C0950123, MeSH D030342.

Allele frequency attached by ClinVar (database versions not stated): ExAC 0.00002; gnomAD 0.00006; TOPMed 0.00006; 1000 Genomes Project 30x 0.00016; 1000 Genomes Project 0.00020.
gnomAD v4.1: 35 of 1,613,530 alleles (0.0022%); highest among the groups gnomAD compares: East Asian, 0.018%; no homozygotes.

Submissions (3):

Labcorp Genetics (formerly Invitae), Labcorp
Classification: Uncertain significance. Last evaluated: 2025-09-02. Review status: criteria provided, single submitter. Criteria: Invitae Variant Classification Sherloc (09022015). Collection method: clinical testing. Allele origin: germline.
Comment: This sequence change replaces alanine, which is neutral and non-polar, with threonine, which is neutral and polar, at codon 34 of the PDE6B protein (p.Ala34Thr). This variant is present in population databases (rs182545478, gnomAD 0.02%). This variant has not been reported in the literature in individuals affected with PDE6B-related conditions. ClinVar contains an entry for this variant (Variation ID: 1983550). Invitae Evidence Modeling of protein sequence and biophysical properties (such as structural, functional, and spatial information, amino acid conservation, physicochemical variation, residue mobility, and thermodynamic stability) indicates that this missense variant is not expected to disrupt PDE6B protein function with a negative predictive value of 95%. In summary, the available evidence is currently insufficient to determine the role of this variant in disease. Therefore, it has been classified as a Variant of Uncertain Significance.

Ambry Genetics
Classification: Uncertain significance for Inborn genetic diseases. Last evaluated: 2025-02-22. Review status: criteria provided, single submitter. Criteria: Ambry Variant Classification Scheme 2023. Collection method: clinical testing. Allele origin: germline.

Blueprint Genetics
Classification: Uncertain significance. Last evaluated: 2023-08-17. Review status: criteria provided, single submitter. Criteria: ACMG Guidelines, 2015. Collection method: clinical testing. Allele origin: germline.